The following is an entry in ClinVar:

NM_005026.5(PIK3CD):c.1310G>A (p.Arg437His)

Genes: PIK3CD (phosphatidylinositol-4,5-bisphosphate 3-kinase catalytic subunit delta; plus strand), LOC126805612 (MED14-independent group 3 enhancer GRCh37_chr1:9778914-9780113; plus strand). Cytogenetic location: 1p36.22.
Variant type: single nucleotide variant.
Coding change: c.1310G>A on transcript NM_005026.5 (MANE Select); coding-DNA position 1310, G replaced by A.
Protein change: p.Arg437His; replaces arginine 437 with histidine.
Molecular consequence: missense variant.
Genome position (GRCh38, 1-based): chr1:9,719,988, G>A. VCF-style: chr1-9719988-G-A. GRCh37 (hg19) VCF-style: chr1-9780046-G-A.
Other names: c.1310G>A, p.Arg437His (NM_001350234.2); c.1223G>A, p.Arg408His (NM_001350235.1); short protein forms R437H, R408H.
Identifiers: ClinVar variation 1969546 (VCV001969546.5), dbSNP rs776965614, ClinGen allele CA577148.

ClinVar aggregate classification (germline): Uncertain significance (1 of 4 stars; one submission).

Conditions:
Immunodeficiency 14 (IMD14A). Also called: Activated PI3K Delta Syndrome Type 1 (APDS1); p110-DELTA-ACTIVATING MUTATION CAUSING SENESCENT T CELLS, LYMPHADENOPATHY, AND IMMUNODEFICIENCY; IMMUNODEFICIENCY 14A WITH LYMPHOPROLIFERATION, AUTOSOMAL DOMINANT; ACTIVATED PI3K-DELTA SYNDROME 1. Identifiers: Orphanet 397596, Orphanet 693661, MedGen C5907821, MONDO:0014222, OMIM 615513.

Allele frequency attached by ClinVar (database versions not stated): TOPMed below 0.00001; gnomAD 0.00003; ExAC 0.00008.
gnomAD v4.1: 40 of 1,613,612 alleles (0.0025%); highest among the groups gnomAD compares: Middle Eastern, 0.016%; no homozygotes.

Submission:

Labcorp Genetics (formerly Invitae), Labcorp
Classification: Uncertain significance for Activated PI3K-delta syndrome. Last evaluated: 2024-06-01. Review status: criteria provided, single submitter. Criteria: Invitae Variant Classification Sherloc (09022015). Collection method: clinical testing. Allele origin: germline.
Comment: This sequence change replaces arginine, which is basic and polar, with histidine, which is basic and polar, at codon 437 of the PIK3CD protein (p.Arg437His). This variant is present in population databases (rs776965614, gnomAD 0.05%), and has an allele count higher than expected for a pathogenic variant. This variant has not been reported in the literature in individuals affected with PIK3CD-related conditions. ClinVar contains an entry for this variant (Variation ID: 1969546). Advanced modeling of protein sequence and biophysical properties (such as structural, functional, and spatial information, amino acid conservation, physicochemical variation, residue mobility, and thermodynamic stability) performed at Invitae indicates that this missense variant is not expected to disrupt PIK3CD protein function with a negative predictive value of 80%. In summary, the available evidence is currently insufficient to determine the role of this variant in disease. Therefore, it has been classified as a Variant of Uncertain Significance.